The following is an entry in ClinVar:

ClinVar aggregate classification (germline): Uncertain significance (1 of 4 stars; one submission).

Conditions:
Neurodegeneration, childhood-onset, with cerebellar atrophy. Identifiers: MedGen C4748934, MONDO:0032650, OMIM 618276.

gnomAD v4.1: 15 of 1,613,642 alleles (0.00093%); highest among the groups gnomAD compares: Middle Eastern, 0.016%; no homozygotes.

Submission:

Clinical Genomics Laboratory, Washington University in St. Louis
Classification: Uncertain significance for Neurodegeneration, childhood-onset, with cerebellar atrophy. Last evaluated: 2024-09-15. Review status: criteria provided, single submitter. Criteria: ACMG Guidelines, 2015. Collection method: clinical testing. Allele origin: germline.
Comment: The AGTPBP1 c.55G>A (p.Val19Ile) variant, to our knowledge, has not been reported in the medical literature. This variant is only observed on 2/251,128 alleles in the general population (gnomAD v.2.1.1), indicating it is not a common variant. Computational predictors suggest that the variant does not impact AGTPBP1 function. Due to limited information, and based on ACMG/AMP guidelines for variant interpretation (Richards S et al., PMID: 25741868), the clinical significance of this variant is uncertain at this time.

NM_001330701.2(AGTPBP1):c.55G>A (p.Val19Ile)

Gene: AGTPBP1 (ATP/GTP binding carboxypeptidase 1; minus strand). Cytogenetic location: 9q21.33.
Variant type: single nucleotide variant.
Coding change: c.55G>A on transcript NM_001330701.2 (MANE Select); coding-DNA position 55, G replaced by A.
Protein change: p.Val19Ile; replaces valine 19 with isoleucine.
Molecular consequence: missense variant.
Genome position (GRCh38, 1-based): chr9:85,692,791, C>T on the plus strand (G>A on the coding strand, the complement: AGTPBP1 is on the minus strand). VCF-style: chr9-85692791-C-T. GRCh37 (hg19) VCF-style: chr9-88307706-C-T.
Other names: c.211G>A, p.Val71Ile (NM_001286715.1, NM_001286717.1); c.55G>A, p.Val19Ile (NM_015239.3); short protein forms V19I, V71I.
Identifiers: ClinVar variation 3602599 (VCV003602599.1).